The following is an entry in ClinVar:

NM_015148.4(PASK):c.3359G>A (p.Arg1120His)

Gene: PASK (PAS domain containing serine/threonine kinase; minus strand). Cytogenetic location: 2q37.3.
Variant type: single nucleotide variant.
Coding change: c.3359G>A on transcript NM_015148.4 (MANE Select); coding-DNA position 3359, G replaced by A.
Protein change: p.Arg1120His; replaces arginine 1120 with histidine.
Molecular consequence: missense variant.
Genome position (GRCh38, 1-based): chr2:241,112,414, C>T on the plus strand (G>A on the coding strand, the complement: PASK is on the minus strand). VCF-style: chr2-241112414-C-T. GRCh37 (hg19) VCF-style: chr2-242051829-C-T.
Other names: c.3380G>A, p.Arg1127His (NM_001252119.2); c.3359G>A, p.Arg1120His (NM_001252120.2); c.3254G>A, p.Arg1085His (NM_001252122.2); c.3380G>A (NM_001252119.1); short protein forms R1085H, R1120H, R1127H.
Identifiers: ClinVar variation 741898 (VCV000741898.5), dbSNP rs150127553, ClinGen allele CA2212751.
Genomic context (GRCh38, chr2:241,112,414, plus strand): 5'-AAGTCCTCGGCGATCACGATGTTCTCATCCTTGATGTCACGGTGGATGATGTCCTTCAAG[C>T]GCAGGTATCCCACTGCTGACACTAGCTGGAATCAGGAGGCCAGAGGGGGCTTTTTAAAAA-3'
Protein context (NP_055963.2, residues 1110-1130): RQLVSAVGYL[Arg1120His]LKDIIHRDIK

ClinVar aggregate classification (germline): Likely benign. Review status: criteria provided, single submitter (1 of 4 stars). 2 submissions from 2 submitters: Likely benign (1). 1 of the submissions does not count toward it. Last evaluated 2018-04-24.

Conditions:
PASK-related disorder. Also called: PASK-related condition.

Allele frequency attached by ClinVar (database versions not stated): gnomAD 0.00001 and 0.00013; TOPMed 0.00004; ESP Exome Variant Server 0.00008; gnomAD exomes 0.00024 and 0.00049; 1000 Genomes Project 30x 0.00031; 1000 Genomes Project 0.00040; ExAC 0.00053.
gnomAD v4.1: 374 of 1,613,438 alleles (0.023%); highest among the groups gnomAD compares: South Asian, 0.39%; no homozygotes.

Submissions (2):

Labcorp Genetics (formerly Invitae), Labcorp
Classification: Likely benign. Last evaluated: 2018-04-24. Review status: criteria provided, single submitter. Criteria: Invitae Variant Classification Sherloc (09022015). Collection method: clinical testing. Allele origin: germline.

PreventionGenetics, part of Exact Sciences
Classification: Likely benign for PASK-related condition. Last evaluated: 2022-04-06. Review status: no assertion criteria provided. Collection method: clinical testing. Allele origin: germline. Not counted in ClinVar's aggregate classification.
Comment: This variant is classified as likely benign based on ACMG/AMP sequence variant interpretation guidelines (Richards et al. 2015 PMID: 25741868, with internal and published modifications).